The following is an entry in ClinVar:

ClinVar aggregate classification (germline): Likely pathogenic (1 of 4 stars; one submission).

Conditions:
Walker-Warburg congenital muscular dystrophy. Also called: Muscular dystrophy-dystroglycanopathy, type A; Walker-Warburg syndrome. Identifiers: Orphanet 899, MedGen C0265221, MONDO:0000171.

Submission:

Labcorp Genetics (formerly Invitae), Labcorp
Classification: Likely pathogenic for Walker-Warburg congenital muscular dystrophy. Last evaluated: 2022-09-23. Review status: criteria provided, single submitter. Criteria: Invitae Variant Classification Sherloc (09022015). Collection method: clinical testing. Allele origin: germline.
Comment: This variant has not been reported in the literature in individuals affected with FKTN-related conditions. In summary, the currently available evidence indicates that the variant is pathogenic, but additional data are needed to prove that conclusively. Therefore, this variant has been classified as Likely Pathogenic. Algorithms developed to predict the effect of sequence changes on RNA splicing suggest that this variant may disrupt the consensus splice site. This variant is not present in population databases (gnomAD no frequency). This sequence change affects a donor splice site in intron 7 of the FKTN gene. It is expected to disrupt RNA splicing. Variants that disrupt the donor or acceptor splice site typically lead to a loss of protein function (PMID: 16199547), and loss-of-function variants in FKTN are known to be pathogenic (PMID: 17044012, 17878207, 18752264).

Literature cited by the submitters: PubMed 16199547; PubMed 17044012; PubMed 17878207; PubMed 18752264.

NM_001079802.2(FKTN):c.780+2T>A

Gene: FKTN (fukutin; plus strand). Cytogenetic location: 9q31.2.
Variant type: single nucleotide variant.
Coding change: c.780+2T>A on transcript NM_001079802.2 (MANE Select); the canonical splice donor site of the intron after coding-DNA position 780, T replaced by A.
Molecular consequence: splice donor variant.
Genome position (GRCh38, 1-based): chr9:105,607,953, T>A. VCF-style: chr9-105607953-T-A. GRCh37 (hg19) VCF-style: chr9-108370234-T-A.
Other names: c.780+2T>A (NM_006731.2, NM_001351496.2, NM_001198963.2 and 1 more transcripts); c.384+2T>A (NM_001351502.2, NM_001351499.2, NM_001351500.2 and 1 more transcripts); c.711+2T>A (NM_001351497.2).
Identifiers: ClinVar variation 2008241 (VCV002008241.4), dbSNP rs1588136441, ClinGen allele CA374332745.